The following is an entry in ClinVar:

NM_080476.5(PIGU):c.889G>A (p.Val297Ile)

Gene: PIGU (phosphatidylinositol glycan anchor biosynthesis class U; minus strand). Cytogenetic location: 20q11.22.
Variant type: single nucleotide variant.
Coding change: c.889G>A on transcript NM_080476.5 (MANE Select); coding-DNA position 889, G replaced by A.
Protein change: p.Val297Ile; replaces valine 297 with isoleucine.
Molecular consequence: missense variant.
Genome position (GRCh38, 1-based): chr20:34,585,474, C>T on the plus strand (G>A on the coding strand, the complement: PIGU is on the minus strand). VCF-style: chr20-34585474-C-T. GRCh37 (hg19) VCF-style: chr20-33173278-C-T.
Other names: short protein forms V297I.
Identifiers: ClinVar variation 3705405 (VCV003705405.2).

ClinVar aggregate classification (germline): Uncertain significance (1 of 4 stars; one submission).

gnomAD v4.1: 13 of 1,614,054 alleles (0.00081%); highest among the groups gnomAD compares: Admixed American, 0.012%; no homozygotes.

Submission:

Labcorp Genetics (formerly Invitae), Labcorp
Classification: Uncertain significance. Last evaluated: 2024-02-13. Review status: criteria provided, single submitter. Criteria: Invitae Variant Classification Sherloc (09022015). Collection method: clinical testing. Allele origin: germline.
Comment: This sequence change replaces valine, which is neutral and non-polar, with isoleucine, which is neutral and non-polar, at codon 297 of the PIGU protein (p.Val297Ile). This variant is present in population databases (rs577900938, gnomAD 0.006%). This variant has not been reported in the literature in individuals affected with PIGU-related conditions. Advanced modeling of protein sequence and biophysical properties (such as structural, functional, and spatial information, amino acid conservation, physicochemical variation, residue mobility, and thermodynamic stability) performed at Invitae indicates that this missense variant is not expected to disrupt PIGU protein function with a negative predictive value of 80%. In summary, the available evidence is currently insufficient to determine the role of this variant in disease. Therefore, it has been classified as a Variant of Uncertain Significance.